The following is an entry in ClinVar:

ClinVar aggregate classification (germline): Uncertain significance (1 of 4 stars; one submission).

Allele frequency attached by ClinVar (database versions not stated): gnomAD exomes below 0.00001.
gnomAD v4.1: 1 of 1,613,914 alleles (0.000062%); highest among the groups gnomAD compares: Non-Finnish European, 0.000085%; no homozygotes.

Submission:

Labcorp Genetics (formerly Invitae), Labcorp
Classification: Uncertain significance. Last evaluated: 2022-03-03. Review status: criteria provided, single submitter. Criteria: Invitae Variant Classification Sherloc (09022015). Collection method: clinical testing. Allele origin: germline.
Comment: This sequence change replaces isoleucine, which is neutral and non-polar, with asparagine, which is neutral and polar, at codon 171 of the ATF6 protein (p.Ile171Asn). This variant is not present in population databases (gnomAD no frequency). This variant has not been reported in the literature in individuals affected with ATF6-related conditions. ClinVar contains an entry for this variant (Variation ID: 1035499). Algorithms developed to predict the effect of missense changes on protein structure and function output the following: SIFT: "Tolerated"; PolyPhen-2: "Benign"; Align-GVGD: "Class C0". The asparagine amino acid residue is found in multiple mammalian species, which suggests that this missense change does not adversely affect protein function. In summary, the available evidence is currently insufficient to determine the role of this variant in disease. Therefore, it has been classified as a Variant of Uncertain Significance.

NM_007348.4(ATF6):c.512T>A (p.Ile171Asn)

Gene: ATF6 (activating transcription factor 6; plus strand). Cytogenetic location: 1q23.3.
Variant type: single nucleotide variant.
Coding change: c.512T>A on transcript NM_007348.4 (MANE Select); coding-DNA position 512, T replaced by A.
Protein change: p.Ile171Asn; replaces isoleucine 171 with asparagine.
Molecular consequence: missense variant.
Genome position (GRCh38, 1-based): chr1:161,792,151, T>A. VCF-style: chr1-161792151-T-A. GRCh37 (hg19) VCF-style: chr1-161761941-T-A.
Other names: short protein forms I171N.
Identifiers: ClinVar variation 1035499 (VCV001035499.5), dbSNP rs1684896543, ClinGen allele CA343386381.